The following is an entry in ClinVar:

NM_005984.5(SLC25A1):c.822A>T (p.Ala274=)

Gene: SLC25A1 (solute carrier family 25 member 1; minus strand). Cytogenetic location: 22q11.21.
Variant type: single nucleotide variant.
Coding change: c.822A>T on transcript NM_005984.5 (MANE Select); coding-DNA position 822, A replaced by T.
Protein change: p.Ala274=; no amino-acid change (alanine 274 retained).
Molecular consequence: synonymous variant. On other transcripts: non-coding transcript variant (1).
Genome position (GRCh38, 1-based): chr22:19,176,244, T>A on the plus strand (A>T on the coding strand, the complement: SLC25A1 is on the minus strand). VCF-style: chr22-19176244-T-A. GRCh37 (hg19) VCF-style: chr22-19163757-T-A.
Other names: c.843A>T, p.Ala281= (NM_001256534.2); c.513A>T, p.Ala171= (NM_001287387.2).
Identifiers: ClinVar variation 1052867 (VCV001052867.6), dbSNP rs2146141713, ClinGen allele CA512978570.

ClinVar aggregate classification (germline): Uncertain significance (1 of 4 stars; one submission).

Submission:

Labcorp Genetics (formerly Invitae), Labcorp
Classification: Uncertain significance. Last evaluated: 2021-09-30. Review status: criteria provided, single submitter. Criteria: Invitae Variant Classification Sherloc (09022015). Collection method: clinical testing. Allele origin: germline.
Comment: This sequence change affects codon 274 of the SLC25A1 mRNA. It is a 'silent' change, meaning that it does not change the encoded amino acid sequence of the SLC25A1 protein. This variant is not present in population databases (ExAC no frequency). This variant has not been reported in the literature in individuals with SLC25A1-related disease. Algorithms developed to predict the effect of sequence changes on RNA splicing suggest that this variant is not likely to affect RNA splicing, but this prediction has not been confirmed by published transcriptional studies. In summary, the available evidence is currently insufficient to determine the role of this variant in disease. Therefore, it has been classified as a Variant of Uncertain Significance.